The following is an entry in ClinVar:

NM_005026.5(PIK3CD):c.1116G>C (p.Lys372Asn)

Genes: PIK3CD (phosphatidylinositol-4,5-bisphosphate 3-kinase catalytic subunit delta; plus strand), LOC126805612 (MED14-independent group 3 enhancer GRCh37_chr1:9778914-9780113; plus strand). Cytogenetic location: 1p36.22.
Variant type: single nucleotide variant.
Coding change: c.1116G>C on transcript NM_005026.5 (MANE Select); coding-DNA position 1116, G replaced by C.
Protein change: p.Lys372Asn; replaces lysine 372 with asparagine.
Molecular consequence: missense variant.
Genome position (GRCh38, 1-based): chr1:9,718,789, G>C. VCF-style: chr1-9718789-G-C. GRCh37 (hg19) VCF-style: chr1-9778847-G-C.
Other names: NP_005017.3:p.(Lys372Asn); c.1116G>C, p.Lys372Asn (NM_001350234.2); c.1029G>C, p.Lys343Asn (NM_001350235.1); short protein forms K343N, K372N.
Identifiers: ClinVar variation 3393346 (VCV003393346.2).

ClinVar aggregate classification (germline): Uncertain significance (1 of 4 stars; one submission).

Conditions:
Immunodeficiency 14 (IMD14A). Also called: ACTIVATED PI3K-DELTA SYNDROME 1; p110-DELTA-ACTIVATING MUTATION CAUSING SENESCENT T CELLS, LYMPHADENOPATHY, AND IMMUNODEFICIENCY; IMMUNODEFICIENCY 14A WITH LYMPHOPROLIFERATION, AUTOSOMAL DOMINANT; Activated PI3K Delta Syndrome Type 1 (APDS1). Identifiers: Orphanet 397596, Orphanet 693661, MedGen C5907821, MONDO:0014222, OMIM 615513.

Submission:

Paediatric Laboratory, Institute for Maternal and Child Health - IRCCS Burlo Garofolo
Classification: Uncertain significance for Immunodeficiency 14. Last evaluated: 2024-12-02. Review status: criteria provided, single submitter. Criteria: ACMG Guidelines, 2015. Collection method: clinical testing. Allele origin: paternal. Affected: yes.
Comment: The NM_005026.5:c.1116G>C variant is predicted to result in a lysine-to-asparagine substitution at residue 372. This missense variant is absent from the gnomAD v4.1.0 database [PM2]. PIK3CD is highly intolerant to missense variations, as evidenced by a Z-score for missense variants in gnomAD v4.1.0 > 6 [PP2], but this particular variant is consistently predicted to be benign by multiple in silico tools and metascores [BP4].